The following is an entry in ClinVar:

ClinVar aggregate classification (germline): Uncertain significance (1 of 4 stars; one submission).

Conditions:
Inborn genetic diseases. Identifiers: MedGen C0950123, MeSH D030342.

Allele frequency attached by ClinVar (database versions not stated): ExAC 0.00001; gnomAD exomes 0.00001; TOPMed 0.00001.
gnomAD v4.1: 3 of 1,614,214 alleles (0.00019%); highest among the groups gnomAD compares: Admixed American, 0.005%; no homozygotes.

Submission:

Ambry Genetics
Classification: Uncertain significance for Inborn genetic diseases. Last evaluated: 2024-05-08. Review status: criteria provided, single submitter. Criteria: Ambry Variant Classification Scheme 2023. Collection method: clinical testing. Allele origin: germline.
Comment: The p.A823G variant (also known as c.2468C>G), located in coding exon 16 of the EPAS1 gene, results from a C to G substitution at nucleotide position 2468. The alanine at codon 823 is replaced by glycine, an amino acid with similar properties. This amino acid position is conserved. In addition, this alteration is predicted to be tolerated by in silico analysis. Since supporting evidence is limited at this time, the clinical significance of this alteration remains unclear.

NM_001430.5(EPAS1):c.2468C>G (p.Ala823Gly)

Gene: EPAS1 (endothelial PAS domain protein 1; plus strand). Cytogenetic location: 2p21.
Variant type: single nucleotide variant.
Coding change: c.2468C>G on transcript NM_001430.5 (MANE Select); coding-DNA position 2468, C replaced by G.
Protein change: p.Ala823Gly; replaces alanine 823 with glycine.
Molecular consequence: missense variant.
Genome position (GRCh38, 1-based): chr2:46,384,515, C>G. VCF-style: chr2-46384515-C-G. GRCh37 (hg19) VCF-style: chr2-46611654-C-G.
Other names: short protein forms A823G.
Identifiers: ClinVar variation 1791714 (VCV001791714.3), dbSNP rs765994211, ClinGen allele CA1645377.